The following is an entry in ClinVar:

ClinVar aggregate classification (germline): Conflicting classifications of pathogenicity. Review status: criteria provided, conflicting classifications (1 of 4 stars). 2 submissions from 2 submitters: Uncertain significance (1); Likely benign (1). Last evaluated 2025-07-01.

Allele frequency attached by ClinVar (database versions not stated): gnomAD 0.00002; gnomAD exomes 0.00002 and 0.00005; TOPMed 0.00002; ExAC 0.00007.
gnomAD v4.1: 32 of 1,612,048 alleles (0.002%); highest among the groups gnomAD compares: South Asian, 0.02%; 1 homozygote.

Submissions (2):

CeGaT Center for Human Genetics Tuebingen
Classification: Likely benign. Last evaluated: 2025-07-01. Review status: criteria provided, single submitter. Criteria: CeGaT Center For Human Genetics Tuebingen Variant Classification Criteria Version 2. Collection method: clinical testing. Allele origin: germline. Affected: yes. Observed: 1 variant allele.
Comment: NTRK2: BP4

Labcorp Genetics (formerly Invitae), Labcorp
Classification: Uncertain significance. Last evaluated: 2025-03-31. Review status: criteria provided, single submitter. Criteria: Invitae Variant Classification Sherloc (09022015). Collection method: clinical testing. Allele origin: germline.
Comment: This sequence change replaces arginine, which is basic and polar, with glutamine, which is neutral and polar, at codon 124 of the NTRK2 protein (p.Arg124Gln). This variant is present in population databases (rs781137734, gnomAD 0.03%). This variant has not been reported in the literature in individuals affected with NTRK2-related conditions. ClinVar contains an entry for this variant (Variation ID: 1390630). Invitae Evidence Modeling of protein sequence and biophysical properties (such as structural, functional, and spatial information, amino acid conservation, physicochemical variation, residue mobility, and thermodynamic stability) indicates that this missense variant is not expected to disrupt NTRK2 protein function with a negative predictive value of 80%. In summary, the available evidence is currently insufficient to determine the role of this variant in disease. Therefore, it has been classified as a Variant of Uncertain Significance.

NM_006180.6(NTRK2):c.371G>A (p.Arg124Gln)

Gene: NTRK2 (neurotrophic receptor tyrosine kinase 2; plus strand). Cytogenetic location: 9q21.33.
Variant type: single nucleotide variant.
Coding change: c.371G>A on transcript NM_006180.6 (MANE Select); coding-DNA position 371, G replaced by A.
Protein change: p.Arg124Gln; replaces arginine 124 with glutamine.
Molecular consequence: missense variant. On other transcripts: 5 prime UTR variant (5).
Genome position (GRCh38, 1-based): chr9:84,707,855, G>A. VCF-style: chr9-84707855-G-A. GRCh37 (hg19) VCF-style: chr9-87322770-G-A.
Other names: c.371G>A, p.Arg124Gln (NM_001369548.1, NM_001369549.1, NM_001007097.3 and 18 more transcripts); c.-98G>A (NM_001369550.1, NM_001369551.1, NM_001369552.1 and 2 more transcripts); short protein forms R124Q.
Identifiers: ClinVar variation 1390630 (VCV001390630.14), dbSNP rs781137734, ClinGen allele CA5105485.